The following is an entry in ClinVar:

NM_206926.2(SELENON):c.125_136dup (p.Ala42_Ala45dup)

Gene: SELENON (selenoprotein N; plus strand). Cytogenetic location: 1p36.11.
Variant type: Duplication.
Coding change: c.125_136dup on transcript NM_206926.2 (MANE Select); coding-DNA positions 125 to 136, 12 bases duplicated (CTGCCGCCGCCG).
Protein change: p.Ala42_Ala45dup.
Molecular consequence: inframe insertion.
Genome position (GRCh38, 1-based): chr1:25,800,355-25,800,366, CTGCCGCCGCCG duplicated; duplicating any 12 consecutive bases within chr1:25,800,345-25,800,366 gives the same sequence; the c. name uses the placement nearest the transcript's 3' end. VCF-style (leftmost placement, unchanged base first): chr1-25800344-G-GGCCGCCGCCGCT. GRCh37 (hg19) VCF-style: chr1-26126835-G-GGCCGCCGCCGCT.
Other names: c.125_136dup (NM_020451.2); c.125_136dup, p.Ala42_Ala45dup (NM_020451.3).
Identifiers: ClinVar variation 663297 (VCV000663297.8), dbSNP rs999744359, ClinGen allele CA416758078.

ClinVar aggregate classification (germline): Uncertain significance. Review status: criteria provided, multiple submitters, no conflicts (2 of 4 stars). 2 submissions from 2 submitters: Uncertain significance (2). Last evaluated 2023-11-09.

Conditions:
Eichsfeld type congenital muscular dystrophy (CMYO3). Also called: Rigid spine muscular dystrophy 1; MYOPATHY, SEPN1-RELATED; SELENON-related myopathy; Congenital myopathy 3 with rigid spine. Identifiers: MedGen C0410180, MONDO:0100100, OMIM 602771.

Submissions (2):

Revvity Omics, Revvity
Classification: Uncertain significance for Eichsfeld type congenital muscular dystrophy. Last evaluated: 2023-11-09. Review status: criteria provided, single submitter. Criteria: ACMG Guidelines, 2015. Collection method: clinical testing. Allele origin: germline.

Labcorp Genetics (formerly Invitae), Labcorp
Classification: Uncertain significance for Eichsfeld type congenital muscular dystrophy. Last evaluated: 2022-08-09. Review status: criteria provided, single submitter. Criteria: Invitae Variant Classification Sherloc (09022015). Collection method: clinical testing. Allele origin: germline.
Comment: This variant, c.125_136dup, results in the insertion of 4 amino acid(s) to the SELENON protein (p.Ala42_Ala45dup), but otherwise preserves the integrity of the reading frame. This variant is present in population databases (no rsID available, gnomAD 0.1%). This variant has not been reported in the literature in individuals affected with SELENON-related conditions. ClinVar contains an entry for this variant (Variation ID: 663297). Experimental studies and prediction algorithms are not available or were not evaluated, and the functional significance of this variant is currently unknown. In summary, the available evidence is currently insufficient to determine the role of this variant in disease. Therefore, it has been classified as a Variant of Uncertain Significance.